The following is an entry in ClinVar:

ClinVar aggregate classification (germline): Pathogenic (1 of 4 stars; one submission).

Conditions:
Long QT syndrome (LQTS). Identifiers: MedGen C0023976, MeSH D008133, MONDO:0002442. Disease mechanism: loss of function. Inheritance: Various modes of inheritance.

Submission:

Labcorp Genetics (formerly Invitae), Labcorp
Classification: Pathogenic for Long QT syndrome. Last evaluated: 2022-05-30. Review status: criteria provided, single submitter. Criteria: Invitae Variant Classification Sherloc (09022015). Collection method: clinical testing. Allele origin: germline.
Comment: For these reasons, this variant has been classified as Pathogenic. This variant disrupts a region of the KCNH2 protein in which other variant(s) (p.Pro1086Alafs*33) have been determined to be pathogenic (PMID: 19716085, 19841300, 21483829). This suggests that this is a clinically significant region of the protein, and that variants that disrupt it are likely to be disease-causing. This variant has not been reported in the literature in individuals affected with KCNH2-related conditions. This variant is a gross deletion of the genomic region encompassing exon(s) 6-15 of the KCNH2 gene, which includes the termination codon. This deletion extends beyond the assayed region for this gene and therefore may encompass additional genes. While this deletion is not anticipated to lead to nonsense mediated decay, it is expected to alter mRNA translation or result in a truncated protein product.

Literature cited by the submitters: PubMed 19716085; PubMed 19841300; PubMed 21483829.

NC_000007.13:g.(?_150642453)_(150649961_?)del

Gene: KCNH2 (potassium voltage-gated channel subfamily H member 2; minus strand). Cytogenetic location: 7q36.1.
Variant type: Deletion.
Identifiers: ClinVar variation 1400870 (VCV001400870.5).